The following is an entry in ClinVar:

NM_000512.5(GALNS):c.190_191delinsAT (p.Ala64Ile)

Gene: GALNS (galactosamine (N-acetyl)-6-sulfatase; minus strand). Cytogenetic location: 16q24.3.
Variant type: Indel.
Coding change: c.190_191delinsAT on transcript NM_000512.5 (MANE Select); coding-DNA positions 190 to 191, GC replaced by AT.
Protein change: p.Ala64Ile; replaces alanine 64 with isoleucine.
Molecular consequence: missense variant. On other transcripts: intron variant (1).
Genome position (GRCh38, 1-based): chr16:88,842,759-88,842,760, GC replaced by AT on the plus strand (GC replaced by AT on the coding strand, the reverse complement: GALNS is on the minus strand). VCF-style: chr16-88842759-GC-AT. GRCh37 (hg19) VCF-style: chr16-88909167-GC-AT.
Other names: c.208_209delinsAT, p.Ala70Ile (NM_001323544.2); c.-311-789_-311-788delinsAT (NM_001323543.2); short protein forms A64I, A70I.
Identifiers: ClinVar variation 1048267 (VCV001048267.3), dbSNP rs2143005495, ClinGen allele CA2499223763.

ClinVar aggregate classification (germline): Uncertain significance (1 of 4 stars; one submission).

Conditions:
Mucopolysaccharidosis, MPS-IV-A (MPS4A). Also called: Mucopolysaccharidosis type IV A; Mucopolysaccharidosis Type IVA; Morquio syndrome A, mild; MORQUIO SYNDROME A; MPS IVA; mucopolysaccharidosis type 4A. Identifiers: Orphanet 309297, Orphanet 582, MedGen C0086651, MONDO:0009659, OMIM 253000.

Submission:

Laboratory of Diagnosis and Therapy of Lysosomal Disorders, University of Padova
Classification: Uncertain significance for Mucopolysaccharidosis, MPS-IV-A. Last evaluated: 2021-02-01. Review status: criteria provided, single submitter. Criteria: ACMG Guidelines, 2015. Collection method: research. Allele origin: germline. Affected: yes.
Comment: The prevalence of the variant in affected individuals is significantly increased compared with the prevalence in controls (PS4_supporting); absent from gnomAD v2.1.1 (PM2_moderate)

Literature cited by the submitters: PubMed 32014045; PubMed 34387910.